The following is an entry in ClinVar:

ClinVar aggregate classification (germline): Uncertain significance. Review status: criteria provided, multiple submitters, no conflicts (2 of 4 stars). 2 submissions from 2 submitters: Uncertain significance (2). Last evaluated 2025-05-08.

Allele frequency attached by ClinVar (database versions not stated): gnomAD exomes below 0.00001 and 0.00001; ExAC 0.00002; TOPMed 0.00002; gnomAD 0.00003; ESP Exome Variant Server 0.00015.
gnomAD v4.1: 12 of 1,613,044 alleles (0.00074%); highest among the groups gnomAD compares: South Asian, 0.0077%; no homozygotes.

Submissions (2):

Ambry Genetics
Classification: Uncertain significance. Last evaluated: 2025-05-08. Review status: criteria provided, single submitter. Criteria: Ambry Variant Classification Scheme 2023. Collection method: clinical testing. Allele origin: germline.
Comment: The p.F424V variant (also known as c.1270T>G), located in coding exon 10 of the RECQL gene, results from a T to G substitution at nucleotide position 1270. The phenylalanine at codon 424 is replaced by valine, an amino acid with highly similar properties. This amino acid position is highly conserved in available vertebrate species. In addition, the in silico prediction for this alteration is inconclusive. The evidence for this gene-disease relationship is limited; therefore, the clinical significance of this alteration is unclear.

Labcorp Genetics (formerly Invitae), Labcorp
Classification: Uncertain significance. Last evaluated: 2023-12-22. Review status: criteria provided, single submitter. Criteria: Invitae Variant Classification Sherloc (09022015). Collection method: clinical testing. Allele origin: germline.
Comment: This sequence change replaces phenylalanine, which is neutral and non-polar, with valine, which is neutral and non-polar, at codon 424 of the RECQL protein (p.Phe424Val). This variant is present in population databases (rs371875016, gnomAD 0.01%). This variant has not been reported in the literature in individuals affected with RECQL-related conditions. ClinVar contains an entry for this variant (Variation ID: 940524). Advanced modeling of protein sequence and biophysical properties (such as structural, functional, and spatial information, amino acid conservation, physicochemical variation, residue mobility, and thermodynamic stability) performed at Invitae indicates that this missense variant is not expected to disrupt RECQL protein function with a negative predictive value of 80%. In summary, the available evidence is currently insufficient to determine the role of this variant in disease. Therefore, it has been classified as a Variant of Uncertain Significance.

NM_002907.4(RECQL):c.1270T>G (p.Phe424Val)

Gene: RECQL (RecQ like helicase; minus strand). Cytogenetic location: 12p12.1.
Variant type: single nucleotide variant.
Coding change: c.1270T>G on transcript NM_002907.4 (MANE Select); coding-DNA position 1270, T replaced by G.
Protein change: p.Phe424Val; replaces phenylalanine 424 with valine.
Molecular consequence: missense variant.
Genome position (GRCh38, 1-based): chr12:21,474,926, A>C on the plus strand (T>G on the coding strand, the complement: RECQL is on the minus strand). VCF-style: chr12-21474926-A-C. GRCh37 (hg19) VCF-style: chr12-21627860-A-C.
Other names: c.1270T>G, p.Phe424Val (NM_032941.3); short protein forms F424V.
Identifiers: ClinVar variation 940524 (VCV000940524.13), dbSNP rs371875016, ClinGen allele CA6478804.
Genomic context (GRCh38, chr12:21,474,926, plus strand): 5'-CCATCTCATAAAGCTTCTGCTGTCCCACATTTTCCATCACCACCATTGAACTTATTCTGA[A>C]TATATCTCCAAAGCCGTAGTACAAAATACAGTCTGCTTTCATGTCATCTCGACCTGTGGT-3'
Protein context (NP_002898.2, residues 414-434): CILYYGFGDI[Phe424Val]RISSMVVMEN